The following is an entry in ClinVar:

NM_000090.4(COL3A1):c.1864C>T (p.Pro622Ser)

Gene: COL3A1 (collagen type III alpha 1 chain; plus strand). Cytogenetic location: 2q32.2.
Variant type: single nucleotide variant.
Coding change: c.1864C>T on transcript NM_000090.4 (MANE Select); coding-DNA position 1864, C replaced by T.
Protein change: p.Pro622Ser; replaces proline 622 with serine.
Molecular consequence: missense variant.
Genome position (GRCh38, 1-based): chr2:188,997,384, C>T. VCF-style: chr2-188997384-C-T. GRCh37 (hg19) VCF-style: chr2-189862110-C-T.
Other names: short protein forms P622S.
Identifiers: ClinVar variation 495542 (VCV000495542.24), dbSNP rs772638774, ClinGen allele CA074749.
Genomic context (GRCh38, chr2:188,997,384, plus strand): 5'-TCTTGTTTTTAGGGTCCTCCTGGAAAGAATGGTGAAACTGGACCTCAGGGACCCCCAGGG[C>T]CTACTGTAAGTTCACTCATATAAAATTGGAGATGAAAATAGGGTGGAGGTGGGGCAGGAA-3'
Protein context (NP_000081.2, residues 612-632): GETGPQGPPG[Pro622Ser]TGPGGDKGDT

ClinVar aggregate classification (germline): Conflicting classifications of pathogenicity. Review status: criteria provided, conflicting classifications (1 of 4 stars). 7 submissions from 7 submitters: Uncertain significance (6); Likely benign (1). Last evaluated 2026-05-01.

Conditions:
Polymicrogyria with or without vascular-type Ehlers-Danlos syndrome. Identifiers: Orphanet 636941, MedGen C5193040, MONDO:0032688, OMIM 618343.
Ehlers-Danlos syndrome, type 4 (EDSVASC). Also called: Ehlers-Danlos syndrome vascular type; Ehlers Danlos syndrome, ecchymotic type; Ehlers Danlos syndrome, arterial type; Ehlers Danlos syndrome, Sack-Barabas type; Ehlers-Danlos Syndrome Type IV. Identifiers: Orphanet 286, MedGen C0268338, MONDO:0017314, OMIM 130050.
Familial thoracic aortic aneurysm and aortic dissection (TAAD). Also called: Thoracic aortic aneurysms and dissections. Identifiers: Orphanet 91387, MedGen C4707243, MONDO:0019625.

Allele frequency attached by ClinVar (database versions not stated): gnomAD exomes 0.00003 and 0.00004; ExAC 0.00005; gnomAD 0.00001; TOPMed 0.00001.
gnomAD v4.1: 61 of 1,613,556 alleles (0.0038%); highest among the groups gnomAD compares: Non-Finnish European, 0.0047%; no homozygotes.

Submissions (7):

Women's Health and Genetics/Laboratory Corporation of America, LabCorp
Classification: Uncertain significance. Last evaluated: 2026-05-01. Review status: criteria provided, single submitter. Criteria: LabCorp Variant Classification Summary - May 2015. Collection method: clinical testing. Allele origin: germline.
Comment: Variant summary: COL3A1 c.1864C>T (p.Pro622Ser) results in a non-conservative amino acid change in the encoded protein sequence. Algorithms developed to predict the effect of missense changes on protein structure and function all suggest that this variant is likely to be disruptive. The variant allele was found at a frequency of 3.2e-05 in 251104 control chromosomes. The available data on variant occurrences in the general population are insufficient to allow any conclusion about variant significance. c.1864C>T has been observed in at least one individual affected with COL3A1-related disease (internal data). These data do not allow any conclusion about variant significance. One publication reports experimental evidence evaluating an impact on protein function, however, does not allow convincing conclusions about the variant effect. The following publications have been ascertained in the context of this evaluation (PMID: 24951259). ClinVar contains an entry for this variant (Variation ID: 495542). Based on the evidence outlined above, the variant was classified as uncertain significance.

Labcorp Genetics (formerly Invitae), Labcorp
Classification: Uncertain significance for Ehlers-Danlos syndrome, type 4. Last evaluated: 2025-11-06. Review status: criteria provided, single submitter. Criteria: Invitae Variant Classification Sherloc (09022015). Collection method: clinical testing. Allele origin: germline.
Comment: This sequence change replaces proline, which is neutral and non-polar, with serine, which is neutral and polar, at codon 622 of the COL3A1 protein (p.Pro622Ser). This variant is present in population databases (rs772638774, gnomAD 0.006%). This missense change has been observed in individual(s) with clinical features of Ehlers-Danlos syndrome (PMID: 31719132; internal data). ClinVar contains an entry for this variant (Variation ID: 495542). Invitae Evidence Modeling of protein sequence and biophysical properties (such as structural, functional, and spatial information, amino acid conservation, physicochemical variation, residue mobility, and thermodynamic stability) indicates that this missense variant is not expected to disrupt COL3A1 protein function with a negative predictive value of 95%. In summary, the available evidence is currently insufficient to determine the role of this variant in disease. Therefore, it has been classified as a Variant of Uncertain Significance.

All of Us Research Program, National Institutes of Health
Classification: Uncertain significance for Ehlers-Danlos syndrome, type 4. Last evaluated: 2024-09-26. Review status: criteria provided, single submitter. Criteria: ACMG Guidelines, 2015. Collection method: clinical testing. Allele origin: germline. Inheritance: Autosomal dominant inheritance. Observed: 16 variant alleles, 16 heterozygotes.
Comment: This missense variant replaces proline with serine at codon 622 of the COL3A1 protein. Computational prediction suggests that this variant may not impact protein structure and function (internally defined REVEL score threshold <= 0.5, PMID: 27666373). To our knowledge, functional studies have not been performed for this variant. This variant has not been reported in individuals affected with cardiovascular disorders in the literature. This variant has been identified in 10/282500 chromosomes in the general population by the Genome Aggregation Database (gnomAD). The available evidence is insufficient to determine the role of this variant in disease conclusively. Therefore, this variant is classified as a Variant of Uncertain Significance.

This study involves interpretation of variants in research participants for the purpose of population health screening. Participant phenotype was not available at the time of variant classification. Additional details can be found in publication PMID: 35346344, PMCID: PMC8962531

Color Diagnostics, LLC DBA Color Health
Classification: Uncertain significance for Familial thoracic aortic aneurysm and aortic dissection. Last evaluated: 2024-07-24. Review status: criteria provided, single submitter. Criteria: ACMG Guidelines, 2015. Collection method: clinical testing. Allele origin: germline.
Comment: This missense variant replaces proline with serine at codon 622 of the COL3A1 protein. Computational prediction suggests that this variant may not impact protein structure and function. To our knowledge, functional studies have not been reported for this variant. This variant has not been reported in individuals affected with cardiovascular disorders in the literature. This variant has been identified in 10/282500 chromosomes in the general population by the Genome Aggregation Database (gnomAD). The available evidence is insufficient to determine the role of this variant in disease conclusively. Therefore, this variant is classified as a Variant of Uncertain Significance.

Fulgent Genetics
Classification: Uncertain significance for Ehlers-Danlos syndrome, type 4; Polymicrogyria with or without vascular-type Ehlers-Danlos syndrome. Last evaluated: 2024-05-03. Review status: criteria provided, single submitter. Criteria: ACMG Guidelines, 2015. Collection method: clinical testing. Allele origin: germline.

Ambry Genetics
Classification: Likely benign for Familial thoracic aortic aneurysm and aortic dissection. Last evaluated: 2022-08-03. Review status: criteria provided, single submitter. Criteria: Ambry Variant Classification Scheme 2023. Collection method: clinical testing. Allele origin: germline.

GeneDx
Classification: Uncertain significance. Last evaluated: 2022-01-17. Review status: criteria provided, single submitter. Criteria: GeneDx Variant Classification Process June 2021. Collection method: clinical testing. Allele origin: germline. Affected: yes.
Comment: Identified in two patients with small vessel disease stroke, however, additional clinical and segregation information were not provided (Tan et al., 2019); In silico analysis supports that this missense variant has a deleterious effect on protein structure/function; Occurs in the triple helical domain at the X position in the canonical Gly-X-Y repeat; although this variant may have an effect on normal protein folding and function, missense substitution at the X position is not a common mechanism of disease (Stenson et al., 2014); Reported in ClinVar (ClinVar Variant ID# 495542); This variant is associated with the following publications: (PMID: 31719132, 27535533, 24951259)

Literature cited by the submitters: PubMed 24951259 (cited by Women's Health and Genetics/Laboratory Corporation of America, LabCorp); PubMed 31719132 (cited by Labcorp Genetics (formerly Invitae), Labcorp).